The following is an entry in ClinVar:

ClinVar aggregate classification (germline): Likely benign (1 of 4 stars; one submission).

Allele frequency attached by ClinVar (database versions not stated): gnomAD exomes below 0.00001; TOPMed below 0.00001.

Submission:

CeGaT Center for Human Genetics Tuebingen
Classification: Likely benign. Last evaluated: 2022-05-01. Review status: criteria provided, single submitter. Criteria: CeGaT Center For Human Genetics Tuebingen Variant Classification Criteria Version 2. Collection method: clinical testing. Allele origin: germline. Affected: yes. Observed: 1 variant allele.
Comment: PUDP: BP4, BP7

NM_012080.5(PUDP):c.171G>A (p.Ala57=)

Gene: PUDP (pseudouridine 5'-phosphatase; minus strand). Cytogenetic location: Xp22.31.
Variant type: single nucleotide variant.
Coding change: c.171G>A on transcript NM_012080.5 (MANE Select); coding-DNA position 171, G replaced by A.
Protein change: p.Ala57=; no amino-acid change (alanine 57 retained).
Molecular consequence: synonymous variant. On other transcripts: intron variant (1).
Genome position (GRCh38, 1-based): chrX:7,105,729, C>T on the plus strand (G>A on the coding strand, the complement: PUDP is on the minus strand). VCF-style: chrX-7105729-C-T. GRCh37 (hg19) VCF-style: chrX-7023770-C-T.
Other names: c.151+20G>A (NM_001178136.2); c.240G>A, p.Ala80= (NM_001135565.2); c.171G>A, p.Ala57= (NM_001178135.2).
Identifiers: ClinVar variation 2659915 (VCV002659915.24), dbSNP rs1350874670, ClinGen allele CA515167962.